The following is an entry in ClinVar:

ClinVar aggregate classification (germline): Pathogenic (1 of 4 stars; one submission).

Submission:

GeneDx
Classification: Pathogenic. Last evaluated: 2019-09-03. Review status: criteria provided, single submitter. Criteria: GeneDx Variant Classification (06012015). Collection method: clinical testing. Allele origin: germline. Affected: yes.
Comment: Nonsense variant predicted to result in protein truncation in a gene for which loss-of-function is a known mechanism of disease; Not observed in large population cohorts (Lek et al., 2016); Has not been previously published as pathogenic or benign to our knowledge

NM_001034853.2(RPGR):c.2848G>T (p.Glu950Ter)

Gene: RPGR (retinitis pigmentosa GTPase regulator; minus strand). Cytogenetic location: Xp11.4.
Variant type: single nucleotide variant.
Coding change: c.2848G>T on transcript NM_001034853.2 (MANE Select); coding-DNA position 2848, G replaced by T.
Protein change: p.Glu950Ter; replaces glutamic acid 950 with a stop codon.
Molecular consequence: nonsense. On other transcripts: intron variant (8).
Genome position (GRCh38, 1-based): chrX:38,286,151, C>A on the plus strand (G>T on the coding strand, the complement: RPGR is on the minus strand). VCF-style: chrX-38286151-C-A. GRCh37 (hg19) VCF-style: chrX-38145404-C-A.
Other names: c.1569+4808G>T (NM_001367249.1, NM_001367250.1); c.1902+943G>T (NM_001367245.1); c.1386+4808G>T (NM_001367251.1); c.1719+943G>T (NM_001367246.1); c.1572+4808G>T (NM_001367247.1); c.1905+943G>T (NM_000328.3); c.1602+4808G>T (NM_001367248.1); short protein forms E950*.
Identifiers: ClinVar variation 816960 (VCV000816960.1), dbSNP rs1601919915, ClinGen allele CA412729633.
Genomic context (GRCh38, chrX:38,286,151, plus strand): 5'-CTTCCTCTTCCCCCTCCCCTTCTCCTTCCTCCTCTTCCCCCTCCCATTCTCCTTCCTCCT[C>A]TTCCCCCTCCCCTTCTCCATCCTCCCCTTCCCCTTCTCCTTCCTCCTCTTCCCCCTCCCC-3'